The following is an entry in ClinVar:

ClinVar aggregate classification (germline): Uncertain significance (1 of 4 stars; one submission).

Submission:

Labcorp Genetics (formerly Invitae), Labcorp
Classification: Uncertain significance. Last evaluated: 2023-02-16. Review status: criteria provided, single submitter. Criteria: Invitae Variant Classification Sherloc (09022015). Collection method: clinical testing. Allele origin: germline.
Comment: This sequence change replaces methionine, which is neutral and non-polar, with leucine, which is neutral and non-polar, at codon 277 of the CXCR2 protein (p.Met277Leu). This variant is present in population databases (rs748657819, gnomAD 0.0009%). This variant has not been reported in the literature in individuals affected with CXCR2-related conditions. Algorithms developed to predict the effect of missense changes on protein structure and function output the following: SIFT: "Not Available"; PolyPhen-2: "Probably Damaging"; Align-GVGD: "Not Available". The leucine amino acid residue is found in multiple mammalian species, which suggests that this missense change does not adversely affect protein function. In summary, the available evidence is currently insufficient to determine the role of this variant in disease. Therefore, it has been classified as a Variant of Uncertain Significance.

NM_001557.4(CXCR2):c.829A>T (p.Met277Leu)

Gene: CXCR2 (C-X-C motif chemokine receptor 2; plus strand). Cytogenetic location: 2q35.
Variant type: single nucleotide variant.
Coding change: c.829A>T on transcript NM_001557.4 (MANE Select); coding-DNA position 829, A replaced by T.
Protein change: p.Met277Leu; replaces methionine 277 with leucine.
Molecular consequence: missense variant.
Genome position (GRCh38, 1-based): chr2:218,135,630, A>T. VCF-style: chr2-218135630-A-T. GRCh37 (hg19) VCF-style: chr2-219000353-A-T.
Other names: c.829A>T, p.Met277Leu (NM_001168298.2); short protein forms M277L.
Identifiers: ClinVar variation 2097921 (VCV002097921.4), dbSNP rs748657819, ClinGen allele CA65711391.